The following is an entry in ClinVar:

NM_145868.2(ANXA11):c.1363A>G (p.Ile455Val)

Gene: ANXA11 (annexin A11; minus strand). Cytogenetic location: 10q22.3.
Variant type: single nucleotide variant.
Coding change: c.1363A>G on transcript NM_145868.2 (MANE Select); coding-DNA position 1363, A replaced by G.
Protein change: p.Ile455Val; replaces isoleucine 455 with valine.
Molecular consequence: missense variant.
Genome position (GRCh38, 1-based): chr10:80,157,736, T>C on the plus strand (A>G on the coding strand, the complement: ANXA11 is on the minus strand). VCF-style: chr10-80157736-T-C. GRCh37 (hg19) VCF-style: chr10-81917492-T-C.
Other names: c.1363A>G, p.Ile455Val (NM_001157.3, NM_001278407.2, NM_001278408.2 and 1 more transcripts); c.1264A>G, p.Ile422Val (NM_001278409.2); short protein forms I422V, I455V.
Identifiers: ClinVar variation 1517001 (VCV001517001.6), dbSNP rs2132358350, ClinGen allele CA377364322.

ClinVar aggregate classification (germline): Uncertain significance (1 of 4 stars; one submission).

Allele frequency attached by ClinVar (database versions not stated): gnomAD exomes below 0.00001.
gnomAD v4.1: 2 of 1,613,958 alleles (0.00012%); highest among the groups gnomAD compares: Non-Finnish European, 0.00017%; no homozygotes.

Submission:

Labcorp Genetics (formerly Invitae), Labcorp
Classification: Uncertain significance. Last evaluated: 2021-09-08. Review status: criteria provided, single submitter. Criteria: Invitae Variant Classification Sherloc (09022015). Collection method: clinical testing. Allele origin: germline.
Comment: This sequence change replaces isoleucine with valine at codon 455 of the ANXA11 protein (p.Ile455Val). The isoleucine residue is highly conserved and there is a small physicochemical difference between isoleucine and valine. This variant is not present in population databases (ExAC no frequency). This variant has not been reported in the literature in individuals affected with ANXA11-related conditions. Algorithms developed to predict the effect of missense changes on protein structure and function (SIFT, PolyPhen-2, Align-GVGD) all suggest that this variant is likely to be disruptive. Algorithms developed to predict the effect of sequence changes on RNA splicing suggest that this variant may create or strengthen a splice site. In summary, the available evidence is currently insufficient to determine the role of this variant in disease. Therefore, it has been classified as a Variant of Uncertain Significance.